The following is an entry in ClinVar:

ClinVar aggregate classification (germline): Uncertain significance (1 of 4 stars; one submission).

gnomAD v4.1: 1 of 1,610,450 alleles (0.000062%); highest among the groups gnomAD compares: Non-Finnish European, 0.000085%; no homozygotes.

Submission:

GeneDx
Classification: Uncertain significance. Last evaluated: 2023-03-10. Review status: criteria provided, single submitter. Criteria: GeneDx Variant Classification Process June 2021. Collection method: clinical testing. Allele origin: germline. Affected: yes.
Comment: Not observed at significant frequency in large population cohorts (gnomAD); In silico analysis supports that this missense variant has a deleterious effect on protein structure/function; Has not been previously published as pathogenic or benign to our knowledge

NM_003041.4(SLC5A2):c.190T>G (p.Trp64Gly)

Gene: SLC5A2 (solute carrier family 5 member 2; plus strand). Cytogenetic location: 16p11.2.
Variant type: single nucleotide variant.
Coding change: c.190T>G on transcript NM_003041.4 (MANE Select); coding-DNA position 190, T replaced by G.
Protein change: p.Trp64Gly; replaces tryptophan 64 with glycine.
Molecular consequence: missense variant. On other transcripts: non-coding transcript variant (1).
Genome position (GRCh38, 1-based): chr16:31,484,736, T>G. VCF-style: chr16-31484736-T-G. GRCh37 (hg19) VCF-style: chr16-31496057-T-G.
Other names: short protein forms W64G.
Identifiers: ClinVar variation 2579624 (VCV002579624.1), dbSNP rs76577328, ClinGen allele CA395751536.